The following is an entry in ClinVar:

ClinVar aggregate classification (germline): Uncertain significance (1 of 4 stars; one submission).

Allele frequency attached by ClinVar (database versions not stated): gnomAD exomes 0.00001; gnomAD 0.00002; TOPMed 0.00002; ExAC 0.00006; ESP Exome Variant Server 0.00009.

Submission:

Labcorp Genetics (formerly Invitae), Labcorp
Classification: Uncertain significance. Last evaluated: 2024-10-17. Review status: criteria provided, single submitter. Criteria: Invitae Variant Classification Sherloc (09022015). Collection method: clinical testing. Allele origin: germline.
Comment: This sequence change replaces threonine, which is neutral and polar, with methionine, which is neutral and non-polar, at codon 1048 of the TLR7 protein (p.Thr1048Met). This variant is present in population databases (rs376314123, gnomAD 0.02%). This variant has not been reported in the literature in individuals affected with TLR7-related conditions. An algorithm developed to predict the effect of missense changes on protein structure and function outputs the following: PolyPhen-2: "Possibly Damaging". The methionine amino acid residue is found in multiple mammalian species, which suggests that this missense change does not adversely affect protein function. In summary, the available evidence is currently insufficient to determine the role of this variant in disease. Therefore, it has been classified as a Variant of Uncertain Significance.

NM_016562.4(TLR7):c.3143C>T (p.Thr1048Met)

Gene: TLR7 (toll like receptor 7; plus strand). Cytogenetic location: Xp22.2.
Variant type: single nucleotide variant.
Coding change: c.3143C>T on transcript NM_016562.4 (MANE Select); coding-DNA position 3143, C replaced by T.
Protein change: p.Thr1048Met; replaces threonine 1048 with methionine.
Molecular consequence: missense variant.
Genome position (GRCh38, 1-based): chrX:12,888,651, C>T. VCF-style: chrX-12888651-C-T. GRCh37 (hg19) VCF-style: chrX-12906770-C-T.
Other names: short protein forms T1048M.
Identifiers: ClinVar variation 2901829 (VCV002901829.3), dbSNP rs376314123, ClinGen allele CA10350136.